The following is an entry in ClinVar:

ClinVar aggregate classification (germline): Benign. Review status: criteria provided, multiple submitters, no conflicts (2 of 4 stars). 2 submissions from 2 submitters: Benign (2). Last evaluated 2018-06-19.

Allele frequency attached by ClinVar (database versions not stated): 1000 Genomes Project 30x 0.40568; 1000 Genomes Project 0.41294; TOPMed 0.41431; gnomAD 0.41451 and 0.41493; gnomAD exomes 0.44835.
gnomAD v4.1: 659,640 of 1,486,458 alleles (44%); highest among the groups gnomAD compares: East Asian, 59%; 150,239 homozygotes.

Submissions (2):

GeneDx
Classification: Benign. Last evaluated: 2018-06-19. Review status: criteria provided, single submitter. Criteria: GeneDx Variant Classification (06012015). Collection method: clinical testing. Allele origin: germline. Affected: yes.
Comment: This variant is considered likely benign or benign based on one or more of the following criteria: it is a conservative change, it occurs at a poorly conserved position in the protein, it is predicted to be benign by multiple in silico algorithms, and/or has population frequency not consistent with disease.

Breakthrough Genomics
Classification: Benign. Review status: criteria provided, single submitter. Criteria: ACMG Guidelines, 2015. Collection method: not provided. Allele origin: germline. Inheritance: Autosomal recessive inheritance. Affected: yes.

NM_001083961.2(WDR62):c.3082+76G>T

Gene: WDR62 (WD repeat domain 62; plus strand). Cytogenetic location: 19q13.12.
Variant type: single nucleotide variant.
Coding change: c.3082+76G>T on transcript NM_001083961.2 (MANE Select); 76 bases into the intron after coding-DNA position 3082, G replaced by T.
Molecular consequence: intron variant.
Genome position (GRCh38, 1-based): chr19:36,101,850, G>T. VCF-style: chr19-36101850-G-T. GRCh37 (hg19) VCF-style: chr19-36592752-G-T.
Other names: c.3082+76G>T (NM_173636.5).
Identifiers: ClinVar variation 670469 (VCV000670469.2), dbSNP rs2311004, ClinGen allele CA14641843.